The following is an entry in ClinVar:

NM_001085372.3(UQCC3):c.36A>G (p.Ala12=)

Genes: LBHD1 (LBH domain containing 1; minus strand), UQCC3 (ubiquinol-cytochrome c reductase complex assembly factor 3; plus strand). Cytogenetic location: 11q12.3.
Variant type: single nucleotide variant.
Coding change: c.36A>G on transcript NM_001085372.3 (MANE Select); coding-DNA position 36, A replaced by G.
Protein change: p.Ala12=; no amino-acid change (alanine 12 retained).
Molecular consequence: synonymous variant. On other transcripts: 5 prime UTR variant (12).
Genome position (GRCh38, 1-based): chr11:62,671,781, A>G. VCF-style: chr11-62671781-A-G. GRCh37 (hg19) VCF-style: chr11-62439253-A-G.
Other names: c.-228T>C (NM_001367940.2, NM_024099.5); c.-745T>C (NM_001367941.2); c.-34T>C (NM_001394596.1, NM_001394599.1, NM_001394601.1 and 1 more transcripts); c.-276T>C (NM_001394604.1, NM_001394607.1); c.-421T>C (NM_001394609.1); c.-352T>C (NM_001394611.1); c.-676T>C (NM_001394612.1).
Identifiers: ClinVar variation 4873038 (VCV004873038.2).

ClinVar aggregate classification (germline): Likely benign (1 of 4 stars; one submission).

gnomAD v4.1: 4 of 1,613,974 alleles (0.00025%); highest among the groups gnomAD compares: Non-Finnish European, 0.00034%; no homozygotes.

Submission:

CeGaT Center for Human Genetics Tuebingen
Classification: Likely benign. Last evaluated: 2026-06-01. Review status: criteria provided, single submitter. Criteria: CeGaT Center For Human Genetics Tuebingen Variant Classification Criteria Version 2. Collection method: clinical testing. Allele origin: germline. Affected: yes. Observed: 1 variant allele.
Comment: UQCC3: BP4, BP7